The following is an entry in ClinVar:

NM_001282531.3(ADNP):c.2475G>T (p.Gly825=)

Gene: ADNP (activity dependent neuroprotector homeobox; minus strand). Cytogenetic location: 20q13.13.
Variant type: single nucleotide variant.
Coding change: c.2475G>T on transcript NM_001282531.3 (MANE Select); coding-DNA position 2475, G replaced by T.
Protein change: p.Gly825=; no amino-acid change (glycine 825 retained).
Molecular consequence: synonymous variant.
Genome position (GRCh38, 1-based): chr20:50,892,239, C>A on the plus strand (G>T on the coding strand, the complement: ADNP is on the minus strand). VCF-style: chr20-50892239-C-A. GRCh37 (hg19) VCF-style: chr20-49508776-C-A.
Other names: c.2475G>T, p.Gly825= (NM_001282532.2, NM_001347511.2, NM_015339.5 and 1 more transcripts); c.2475G>T (NM_001282531.2).
Identifiers: ClinVar variation 587880 (VCV000587880.51), dbSNP rs148502910, ClinGen allele CA9908585.

ClinVar aggregate classification (germline): Benign/Likely benign. Review status: criteria provided, multiple submitters, no conflicts (2 of 4 stars). 9 submissions from 9 submitters: Benign (5); Likely benign (3). 1 of the submissions does not count toward it. Last evaluated 2026-08-01.

Conditions:
ADNP-related multiple congenital anomalies - intellectual disability - autism spectrum disorder. Also called: Helsmoortel-Van der Aa Syndrome; ADNP-Related Helsmoortel-Van der Aa Syndrome. Identifiers: Orphanet 404448, MedGen C4014538, MONDO:0014379, OMIM 615873. Disease mechanism: loss of function.
Inborn genetic diseases. Identifiers: MedGen C0950123, MeSH D030342.
ADNP-related disorder. Also called: ADNP-related condition.

Allele frequency attached by ClinVar (database versions not stated): 1000 Genomes Project 0.00260; 1000 Genomes Project 30x 0.00281; TOPMed 0.00377; ESP Exome Variant Server 0.00438; ExAC 0.00503; gnomAD 0.00512 and 0.00534; gnomAD exomes 0.00531.
gnomAD v4.1: 8,552 of 1,614,120 alleles (0.53%); highest among the groups gnomAD compares: Non-Finnish European, 0.54%; 40 homozygotes.

Submissions (9):

CeGaT Center for Human Genetics Tuebingen
Classification: Benign. Last evaluated: 2026-08-01. Review status: criteria provided, single submitter. Criteria: CeGaT Center For Human Genetics Tuebingen Variant Classification Criteria Version 2. Collection method: clinical testing. Allele origin: germline. Affected: yes. Observed: 34 variant alleles.
Comment: ADNP: BP4, BP7, BS1, BS2

Labcorp Genetics (formerly Invitae), Labcorp
Classification: Benign. Last evaluated: 2026-01-26. Review status: criteria provided, single submitter. Criteria: Invitae Variant Classification Sherloc (09022015). Collection method: clinical testing. Allele origin: germline.

Blueprint Genetics
Classification: Likely benign. Last evaluated: 2024-11-27. Review status: criteria provided, single submitter. Criteria: ACMG Guidelines, 2015. Collection method: clinical testing. Allele origin: germline.

Fulgent Genetics
Classification: Likely benign for ADNP-related multiple congenital anomalies - intellectual disability - autism spectrum disorder. Last evaluated: 2021-12-22. Review status: criteria provided, single submitter. Criteria: ACMG Guidelines, 2015. Collection method: clinical testing. Allele origin: unknown.

Genome-Nilou Lab
Classification: Benign for ADNP-related multiple congenital anomalies - intellectual disability - autism spectrum disorder. Last evaluated: 2021-12-05. Review status: criteria provided, single submitter. Criteria: ACMG Guidelines, 2015. Collection method: clinical testing. Allele origin: germline. Affected: no.

GeneDx
Classification: Benign. Last evaluated: 2019-02-05. Review status: criteria provided, single submitter. Criteria: GeneDx Variant Classification Process June 2021. Collection method: clinical testing. Allele origin: germline. Affected: yes.

Ambry Genetics
Classification: Benign for Inborn genetic diseases. Last evaluated: 2016-05-26. Review status: criteria provided, single submitter. Criteria: Ambry Variant Classification Scheme 2023. Collection method: clinical testing. Allele origin: germline.

Breakthrough Genomics
Classification: Likely benign. Review status: criteria provided, single submitter. Criteria: ACMG Guidelines, 2015. Collection method: not provided. Allele origin: germline. Inheritance: Autosomal dominant inheritance. Affected: yes.

PreventionGenetics, part of Exact Sciences
Classification: Benign for ADNP-related condition. Last evaluated: 2019-09-09. Review status: no assertion criteria provided. Collection method: clinical testing. Allele origin: germline. Not counted in ClinVar's aggregate classification.
Comment: This variant is classified as benign based on ACMG/AMP sequence variant interpretation guidelines (Richards et al. 2015 PMID: 25741868, with internal and published modifications).